The following is an entry in ClinVar:

ClinVar aggregate classification (germline): Uncertain significance (1 of 4 stars; one submission).

Submission:

Labcorp Genetics (formerly Invitae), Labcorp
Classification: Uncertain significance. Last evaluated: 2022-09-02. Review status: criteria provided, single submitter. Criteria: Invitae Variant Classification Sherloc (09022015). Collection method: clinical testing. Allele origin: germline.
Comment: In summary, the available evidence is currently insufficient to determine the role of this variant in disease. Therefore, it has been classified as a Variant of Uncertain Significance. Experimental studies and prediction algorithms are not available or were not evaluated, and the functional significance of this variant is currently unknown. This variant has not been reported in the literature in individuals affected with PPP2R1A-related conditions. This variant results in a copy number gain of the genomic region encompassing exon(s) 4-6 of the PPP2R1A gene. While the exact position of this variant cannot be determined from the data, sub-genic copy number gains are generally in tandem (PMID: 25640679). This variant is predicted to be in-frame, and likely preserves the integrity of the reading frame.

Literature cited by the submitters: PubMed 25640679.

NC_000019.9:g.(?_52714493)_(52716383_?)dup

Genes: PPP2R1A (protein phosphatase 2 scaffold subunit Aalpha; plus strand), ZNF83 (zinc finger protein 83; minus strand). Cytogenetic location: 19q13.41.
Variant type: Duplication.
Identifiers: ClinVar variation 2425913 (VCV002425913.4).